The following is an entry in ClinVar:

NM_001042492.3(NF1):c.1804G>C (p.Glu602Gln)

Gene: NF1 (neurofibromin 1; plus strand). Cytogenetic location: 17q11.2.
Variant type: single nucleotide variant.
Coding change: c.1804G>C on transcript NM_001042492.3 (MANE Select); coding-DNA position 1804, G replaced by C.
Protein change: p.Glu602Gln; replaces glutamic acid 602 with glutamine.
Molecular consequence: missense variant.
Genome position (GRCh38, 1-based): chr17:31,223,526, G>C. VCF-style: chr17-31223526-G-C. GRCh37 (hg19) VCF-style: chr17-29550544-G-C.
Other names: c.1804G>C, p.Glu602Gln (NM_000267.4); short protein forms E602Q.
Identifiers: ClinVar variation 404527 (VCV000404527.5), dbSNP rs1060500322, ClinGen allele CA16615583.

ClinVar aggregate classification (germline): Uncertain significance (1 of 4 stars; one submission).

Conditions:
Neurofibromatosis, type 1 (NF1). Also called: Neurofibromatosis, type I; NEUROFIBROMATOSIS, TYPE I, SOMATIC; Peripheral type neurofibromatosis; VON RECKLINGHAUSEN DISEASE. Identifiers: Orphanet 636, MedGen C0027831, MONDO:0018975, OMIM 162200. Disease mechanism: loss of function.

Submission:

Labcorp Genetics (formerly Invitae), Labcorp
Classification: Uncertain significance for Neurofibromatosis, type 1. Last evaluated: 2016-08-18. Review status: criteria provided, single submitter. Criteria: Invitae Variant Classification Sherloc (09022015). Collection method: clinical testing. Allele origin: germline.
Comment: In summary, this variant is a novel missense change with uncertain impact on protein function. It has been classified as a Variant of Uncertain Significance. Algorithms developed to predict the effect of missense changes on protein structure and function do not agree on the potential impact of this missense change (SIFT: "Tolerated"; PolyPhen-2: "Probably Damaging"; Align-GVGD: "Class C0"). This variant is not present in population databases (ExAC no frequency) and has not been reported in the literature in individuals with a NF1-related disease. This sequence change replaces glutamic acid with glutamine at codon 602 of the NF1 protein (p.Glu602Gln). The glutamic acid residue is moderately conserved and there is a small physicochemical difference between glutamic acid and glutamine.